The following is an entry in ClinVar:

NM_004006.3(DMD):c.3276+228T>C

Gene: DMD (dystrophin; minus strand). Cytogenetic location: Xp21.1.
Variant type: single nucleotide variant.
Coding change: c.3276+228T>C on transcript NM_004006.3 (MANE Select); 228 bases into the intron after coding-DNA position 3276, T replaced by C.
Molecular consequence: intron variant.
Genome position (GRCh38, 1-based): chrX:32,464,358, A>G on the plus strand (T>C on the coding strand, the complement: DMD is on the minus strand). VCF-style: chrX-32464358-A-G. GRCh37 (hg19) VCF-style: chrX-32482475-A-G.
Other names: c.3252+228T>C (NM_000109.4); c.3264+228T>C (NM_004009.3); c.2907+228T>C (NM_004010.3).
Identifiers: ClinVar variation 681681 (VCV000681681.1), dbSNP rs61354466, ClinGen allele CA328002202.
Genomic context (GRCh38, chrX:32,464,358, plus strand): 5'-TCAACATTGGCACTAGTGACATTTTAGATTGTGCAGTTCCTTGTTCTGGAGGAATGTTCT[A>G]TGGACTGTACGATATTTAGCAGCATCTCTCTCCTCTACCTATTAGACACCAGTAGCATCT-3'

ClinVar aggregate classification (germline): Benign (1 of 4 stars; one submission).

Allele frequency attached by ClinVar (database versions not stated): gnomAD 0.06143 and 0.06569; 1000 Genomes Project 0.06808; 1000 Genomes Project 30x 0.07034; TOPMed 0.07270.
gnomAD v4.1: 6,720 of 110,062 alleles (6.1%); highest among the groups gnomAD compares: African/African-American, 21%; 557 homozygotes.

Submission:

GeneDx
Classification: Benign. Last evaluated: 2018-06-14. Review status: criteria provided, single submitter. Criteria: GeneDx Variant Classification (06012015). Collection method: clinical testing. Allele origin: germline. Affected: yes.
Comment: This variant is considered likely benign or benign based on one or more of the following criteria: it is a conservative change, it occurs at a poorly conserved position in the protein, it is predicted to be benign by multiple in silico algorithms, and/or has population frequency not consistent with disease.